The following is an entry in ClinVar:

ClinVar aggregate classification (germline): Uncertain significance (1 of 4 stars; one submission).

Submission:

Labcorp Genetics (formerly Invitae), Labcorp
Classification: Uncertain significance. Last evaluated: 2021-05-08. Review status: criteria provided, single submitter. Criteria: Invitae Variant Classification Sherloc (09022015). Collection method: clinical testing. Allele origin: germline.
Comment: In summary, the available evidence is currently insufficient to determine the role of this variant in disease. Therefore, it has been classified as a Variant of Uncertain Significance. Algorithms developed to predict the effect of missense changes on protein structure and function output the following: SIFT: "Tolerated"; PolyPhen-2: "Benign"; Align-GVGD: "Class C0". The alanine amino acid residue is found in multiple mammalian species, suggesting that this missense change does not adversely affect protein function. These predictions have not been confirmed by published functional studies and their clinical significance is uncertain. This variant has not been reported in the literature in individuals with ADGRV1-related conditions. This variant is not present in population databases (ExAC no frequency). This sequence change replaces threonine with alanine at codon 1617 of the ADGRV1 protein (p.Thr1617Ala). The threonine residue is weakly conserved and there is a small physicochemical difference between threonine and alanine.

NM_032119.4(ADGRV1):c.4849A>G (p.Thr1617Ala)

Gene: ADGRV1 (adhesion G protein-coupled receptor V1; plus strand). Cytogenetic location: 5q14.3.
Variant type: single nucleotide variant.
Coding change: c.4849A>G on transcript NM_032119.4 (MANE Select); coding-DNA position 4849, A replaced by G.
Protein change: p.Thr1617Ala; replaces threonine 1617 with alanine.
Molecular consequence: missense variant. On other transcripts: non-coding transcript variant (1).
Genome position (GRCh38, 1-based): chr5:90,672,642, A>G. VCF-style: chr5-90672642-A-G. GRCh37 (hg19) VCF-style: chr5-89968459-A-G.
Other names: short protein forms T1617A.
Identifiers: ClinVar variation 1386228 (VCV001386228.8), dbSNP rs2149539268, ClinGen allele CA360406969.